The following is an entry in ClinVar:

NM_014244.5(ADAMTS2):c.55_56insACTCAGCAGCACGA (p.Leu19fs)

Gene: ADAMTS2 (ADAM metallopeptidase with thrombospondin type 1 motif 2; minus strand). Cytogenetic location: 5q35.3.
Variant type: Insertion.
Coding change: c.55_56insACTCAGCAGCACGA on transcript NM_014244.5 (MANE Select); coding-DNA positions 55 to 56, ACTCAGCAGCACGA inserted.
Protein change: p.Leu19fs; shifts the reading frame from leucine 19.
Molecular consequence: frameshift variant.
Genome position: GRCh38 VCF-style: chr5-179345273-A-ATCGTGCTGCTGAGT. GRCh37 (hg19) VCF-style: chr5-178772274-A-ATCGTGCTGCTGAGT.
Other names: c.55_56insACTCAGCAGCACGA, p.Leu19fs (NM_021599.4); short protein forms L19fs.
Identifiers: ClinVar variation 1724851 (VCV001724851.2), dbSNP rs2532193677, ClinGen allele CA2580074176.

ClinVar aggregate classification (germline): Likely pathogenic (1 of 4 stars; one submission).

Conditions:
Ehlers-Danlos syndrome, dermatosparaxis type. Also called: EDS VIIC; Dermatosparaxis; Ehlers-Danlos syndrome, type VII, autosomal recessive. Identifiers: Orphanet 1901, MedGen C2700425, MONDO:0009161, OMIM 225410.

Submission:

Myriad Genetics, Inc.
Classification: Likely pathogenic for Ehlers-Danlos syndrome, dermatosparaxis type. Last evaluated: 2022-03-01. Review status: criteria provided, single submitter. Criteria: Myriad Women's Health Autosomal Recessive and X-Linked Classification Criteria (2021). Collection method: clinical testing. Allele origin: unknown.
Comment: NM_014244.4(ADAMTS2):c.55_56ins14(L19Hfs*151) is expected to be pathogenic in the context of Ehlers-Danlos syndrome type VIIC. This variant is predicted to lead to an abnormal or absent protein product due to the creation of a premature termination codon in ADAMTS2, a gene where loss-of-function variants are known to be pathogenic. Please note: this variant was assessed in the context of healthy population screening.